The following is an entry in ClinVar:

ClinVar aggregate classification (germline): Pathogenic (1 of 4 stars; one submission).

Conditions:
CHD7-related CHARGE syndrome. Identifiers: MedGen CN380413, MONDO:1010178, OMIM 214800.

Submission:

Variantyx, Inc.
Classification: Pathogenic for CHD7-related CHARGE syndrome. Last evaluated: 2025-08-28. Review status: criteria provided, single submitter. Criteria: Variantyx Assertion Criteria 2022. Collection method: clinical testing. Allele origin: germline. Inheritance: Autosomal recessive inheritance. Affected: yes.
Comment: This is a nonsynonymous variant in the CHD7 gene (OMIM: 608892). Pathogenic variants in this gene have been associated with autosomal dominant CHARGE syndrome. This variant has been reported in at least 1 affected individual (PMID: 25472840) (PS4). This variant lies within a known hotspot for pathogenic variants or a well-established critical functional domain of the CHD7 protein (PM1), and multiple computational algorithms predict a deleterious effect for this variant (REVEL score: 0.995) (PP3). This variant is absent from control populations (PM2). Based on the current evidence, this variant is classified as pathogenic for autosomal dominant CHARGE syndrome.

Literature cited by the submitters: PubMed 25472840.

NM_017780.4(CHD7):c.3062T>G (p.Val1021Gly)

Gene: CHD7 (chromodomain helicase DNA binding protein 7; plus strand). Cytogenetic location: 8q12.2.
Variant type: single nucleotide variant.
Coding change: c.3062T>G on transcript NM_017780.4 (MANE Select); coding-DNA position 3062, T replaced by G.
Protein change: p.Val1021Gly; replaces valine 1021 with glycine.
Molecular consequence: missense variant. On other transcripts: intron variant (1).
Genome position (GRCh38, 1-based): chr8:60,822,607, T>G. VCF-style: chr8-60822607-T-G. GRCh37 (hg19) VCF-style: chr8-61735166-T-G.
Other names: c.1717-39622T>G (NM_001316690.1); short protein forms V1021G.
Identifiers: ClinVar variation 4813799 (VCV004813799.1).